The following is an entry in ClinVar:

ClinVar aggregate classification (germline): Uncertain significance (1 of 4 stars; one submission).

Conditions:
Immunodeficiency 35 (IMD35). Also called: TYK2 DEFICIENCY; Susceptibility to infection due to TYK2 deficiency; HIES WITH ATYPICAL MYCOBACTERIOSIS, AUTOSOMAL RECESSIVE; HYPER-IgE SYNDROME WITH ATYPICAL MYCOBACTERIOSIS, AUTOSOMAL RECESSIVE. Identifiers: Orphanet 331226, MedGen C1969086, MONDO:0012682, OMIM 611521.

Allele frequency attached by ClinVar (database versions not stated): gnomAD exomes below 0.00001 and 0.00001; TOPMed below 0.00001; gnomAD 0.00001; ExAC 0.00002.

Submission:

Labcorp Genetics (formerly Invitae), Labcorp
Classification: Uncertain significance for Immunodeficiency 35. Last evaluated: 2021-07-14. Review status: criteria provided, single submitter. Criteria: Invitae Variant Classification Sherloc (09022015). Collection method: clinical testing. Allele origin: germline.
Comment: In summary, the available evidence is currently insufficient to determine the role of this variant in disease. Therefore, it has been classified as a Variant of Uncertain Significance. Algorithms developed to predict the effect of sequence changes on RNA splicing suggest that this variant may create or strengthen a splice site, but this prediction has not been confirmed by published transcriptional studies. This variant has not been reported in the literature in individuals with TYK2-related conditions. This variant is present in population databases (rs773984009, ExAC 0.02%). This sequence change affects codon 629 of the TYK2 mRNA. It is a 'silent' change, meaning that it does not change the encoded amino acid sequence of the TYK2 protein.

NM_003331.5(TYK2):c.1887T>A (p.Pro629=)

Gene: TYK2 (tyrosine kinase 2; minus strand). Cytogenetic location: 19p13.2.
Variant type: single nucleotide variant.
Coding change: c.1887T>A on transcript NM_003331.5 (MANE Select); coding-DNA position 1887, T replaced by A.
Protein change: p.Pro629=; no amino-acid change (proline 629 retained).
Molecular consequence: synonymous variant. On other transcripts: intron variant (2).
Genome position (GRCh38, 1-based): chr19:10,361,842, A>T on the plus strand (T>A on the coding strand, the complement: TYK2 is on the minus strand). VCF-style: chr19-10361842-A-T. GRCh37 (hg19) VCF-style: chr19-10472518-A-T.
Other names: c.1887T>A, p.Pro629= (NM_001385197.1, NM_001385198.1, NM_001385200.1 and 2 more transcripts); c.1689T>A, p.Pro563= (NM_001385201.1); c.1797T>A, p.Pro599= (NM_001385205.1); c.1761T>A, p.Pro587= (NM_001385206.1); c.1869T>A, p.Pro623= (NM_001385207.1); c.1773+236T>A (NM_001385199.1); c.1809-6T>A (NM_001385202.1).
Identifiers: ClinVar variation 1349378 (VCV001349378.8), dbSNP rs773984009, ClinGen allele CA9193263.